The following is an entry in ClinVar:

ClinVar aggregate classification (germline): Uncertain significance (1 of 4 stars; one submission).

Conditions:
Hereditary cancer-predisposing syndrome. Also called: Neoplastic Syndromes, Hereditary; Tumor predisposition; Hereditary Cancer Syndrome; Hereditary neoplastic syndrome. Identifiers: Orphanet 140162, MedGen C0027672, MeSH D009386, MONDO:0015356.

Submission:

Ambry Genetics
Classification: Uncertain significance for Hereditary cancer-predisposing syndrome. Last evaluated: 2022-03-16. Review status: criteria provided, single submitter. Criteria: Ambry Variant Classification Scheme 2023. Collection method: clinical testing. Allele origin: germline.
Comment: The p.D213G variant (also known as c.638A>G), located in coding exon 7 of the NF2 gene, results from an A to G substitution at nucleotide position 638. The aspartic acid at codon 213 is replaced by glycine, an amino acid with similar properties. This amino acid position is conserved. In addition, this alteration is predicted to be deleterious by in silico analysis. Since supporting evidence is limited at this time, the clinical significance of this alteration remains unclear.

NM_000268.4(NF2):c.638A>G (p.Asp213Gly)

Gene: NF2 (NF2, moesin-ezrin-radixin like (MERLIN) tumor suppressor; plus strand). Cytogenetic location: 22q12.2.
Variant type: single nucleotide variant.
Coding change: c.638A>G on transcript NM_000268.4 (MANE Select); coding-DNA position 638, A replaced by G.
Protein change: p.Asp213Gly; replaces aspartic acid 213 with glycine.
Molecular consequence: missense variant. On other transcripts: non-coding transcript variant (1), intron variant (1).
Genome position (GRCh38, 1-based): chr22:29,658,227, A>G. VCF-style: chr22-29658227-A-G. GRCh37 (hg19) VCF-style: chr22-30054216-A-G.
Other names: c.515A>G, p.Asp172Gly (NM_181829.3, NM_001407054.1, NM_001407058.1 and 1 more transcripts); c.389A>G, p.Asp130Gly (NM_181830.3, NM_181831.3, NM_001407063.1 and 1 more transcripts); c.447+15942A>G (NM_181833.3); c.638A>G, p.Asp213Gly (NM_181832.3, NM_001407057.1, NM_001407059.1 and 4 more transcripts); c.524A>G, p.Asp175Gly (NM_001407053.1, NM_001407056.1); c.512A>G, p.Asp171Gly (NM_001407055.1, NM_181828.3); c.104A>G, p.Asp35Gly (NM_001407065.1); c.407A>G, p.Asp136Gly (NM_001407067.1); short protein forms D175G, D136G, D130G, D171G, D172G, D213G, D35G.
Identifiers: ClinVar variation 1753209 (VCV001753209.2), dbSNP rs2146990045, ClinGen allele CA411143052.
Genomic context (GRCh38, chr22:29,658,227, plus strand): 5'-GTGTCTTCCGTTCTCCCCACAGGGATGAAGCTGAAATGGAATATCTGAAGATAGCTCAGG[A>G]CCTGGAGATGTACGGTGTGAACTACTTTGCAATCCGGGTGTGTTGAAACCTCTCTGAGCT-3'
Protein context (NP_000259.1, residues 203-223): AEMEYLKIAQ[Asp213Gly]LEMYGVNYFA